The following is an entry in ClinVar:

NM_001374736.1(DST):c.12926G>A (p.Ser4309Asn)

Gene: DST (dystonin; minus strand). Cytogenetic location: 6p12.1.
Variant type: single nucleotide variant.
Coding change: c.12926G>A on transcript NM_001374736.1 (MANE Select); coding-DNA position 12926, G replaced by A.
Protein change: p.Ser4309Asn; replaces serine 4309 with asparagine.
Molecular consequence: missense variant.
Genome position (GRCh38, 1-based): chr6:56,578,915, C>T on the plus strand (G>A on the coding strand, the complement: DST is on the minus strand). VCF-style: chr6-56578915-C-T. GRCh37 (hg19) VCF-style: chr6-56443713-C-T.
Other names: c.6569G>A (NM_001144769.2); c.6569G>A, p.Ser2190Asn (NM_001144769.5); c.6155G>A, p.Ser2052Asn (NM_001144770.2); c.12926G>A, p.Ser4309Asn (NM_001374722.1); c.12293G>A, p.Ser4098Asn (NM_001374729.1); c.6035G>A, p.Ser2012Asn (NM_001374730.1, NM_183380.4); c.12953G>A, p.Ser4318Asn (NM_001374734.1); c.5057G>A, p.Ser1686Asn (NM_015548.5); short protein forms S2190N, S1686N, S2012N, S2052N, S4098N, S4309N, S4318N.
Identifiers: ClinVar variation 965202 (VCV000965202.9), dbSNP rs996264313, ClinGen allele CA139176219.
Genomic context (GRCh38, chr6:56,578,915, plus strand): 5'-CCCCTGGCATCTAAAAGCACTTCAGCCGTTTTCTTCAGTTTCTCTACAGCAACCTGCTGA[C>T]TTGATATCTGTCCTTGCAAAGCCTGTAGGATTAAACGCTTTTCAATTATACTCAGCAGGA-3'
Protein context (NP_001361665.1, residues 4299-4319): ETKALQGQIS[Ser4309Asn]QQVAVEKLKK

ClinVar aggregate classification (germline): Uncertain significance. Review status: criteria provided, multiple submitters, no conflicts (2 of 4 stars). 2 submissions from 2 submitters: Uncertain significance (2). Last evaluated 2026-02-12.

Conditions:
DST-related disorder. Also called: DST-related condition; DST-related disorders.
Epidermolysis bullosa simplex 3, localized or generalized intermediate, with BP230 deficiency (EBS3). Also called: Epidermolysis bullosa simplex, autosomal recessive 2; Epidermolysis bullosa simplex due to BP230 deficiency. Identifiers: Orphanet 412181, MedGen C3809470, MONDO:0014180, OMIM 615425.
Hereditary sensory and autonomic neuropathy type 6. Also called: HSAN VI; Neuropathy, hereditary sensory and autonomic, type VI. Identifiers: Orphanet 314381, MedGen C3539003, MONDO:0013839, OMIM 614653.

Allele frequency attached by ClinVar (database versions not stated): gnomAD exomes below 0.00001; TOPMed 0.00001.
gnomAD v4.1: 2 of 1,600,198 alleles (0.00012%); highest among the groups gnomAD compares: African/African-American, 0.0027%; no homozygotes.

Submissions (2):

PreventionGenetics, part of Exact Sciences
Classification: Uncertain significance for DST-related condition. Last evaluated: 2026-02-12. Review status: criteria provided, single submitter. Criteria: ACMG Guidelines, 2015. Collection method: clinical testing. Allele origin: germline.
Comment: The DST c.6569G>A variant is predicted to result in the amino acid substitution p.Ser2190Asn. To our knowledge, this variant has not been reported in the literature. This variant is reported in 0.0071% of alleles in individuals of African descent in gnomAD. At this time, the clinical significance of this variant is uncertain due to the absence of conclusive functional and genetic evidence.

Labcorp Genetics (formerly Invitae), Labcorp
Classification: Uncertain significance for Epidermolysis bullosa simplex 3, localized or generalized intermediate, with BP230 deficiency; Hereditary sensory and autonomic neuropathy type 6. Last evaluated: 2021-03-09. Review status: criteria provided, single submitter. Criteria: Invitae Variant Classification Sherloc (09022015). Collection method: clinical testing. Allele origin: germline.
Comment: This variant is not present in population databases (ExAC no frequency). This variant has not been reported in the literature in individuals with DST-related conditions. Algorithms developed to predict the effect of missense changes on protein structure and function output the following: SIFT: "Tolerated"; PolyPhen-2: "Not Available"; Align-GVGD: "Class C0". The asparagine amino acid residue is found in multiple mammalian species, suggesting that this missense change does not adversely affect protein function. These predictions have not been confirmed by published functional studies and their clinical significance is uncertain. In summary, the available evidence is currently insufficient to determine the role of this variant in disease. Therefore, it has been classified as a Variant of Uncertain Significance. This sequence change replaces serine with asparagine at codon 1686 of the DST protein (p.Ser1686Asn). The serine residue is moderately conserved and there is a small physicochemical difference between serine and asparagine. The DST gene has multiple clinically relevant transcripts. The p.Ser1686Asn variant occurs in alternate transcript NM_015548.4, which corresponds to c.*36602G>A in NM_001723.5, the primary transcript listed in the Methods.